The following is an entry in ClinVar:

ClinVar aggregate classification (germline): Uncertain significance (1 of 4 stars; one submission).

Allele frequency attached by ClinVar (database versions not stated): ExAC 0.00003; gnomAD 0.00005; ESP Exome Variant Server 0.00015.
gnomAD v4.1: 14 of 1,614,032 alleles (0.00087%); highest among the groups gnomAD compares: African/African-American, 0.019%; no homozygotes.

Submission:

Labcorp Genetics (formerly Invitae), Labcorp
Classification: Uncertain significance. Last evaluated: 2023-05-04. Review status: criteria provided, single submitter. Criteria: Invitae Variant Classification Sherloc (09022015). Collection method: clinical testing. Allele origin: germline.
Comment: An algorithm developed to predict the effect of missense changes on protein structure and function (PolyPhen-2) suggests that this variant is likely to be disruptive. In summary, the available evidence is currently insufficient to determine the role of this variant in disease. Therefore, it has been classified as a Variant of Uncertain Significance. This sequence change replaces aspartic acid, which is acidic and polar, with alanine, which is neutral and non-polar, at codon 88 of the GSN protein (p.Asp88Ala). This variant is present in population databases (rs144219139, gnomAD 0.04%). This variant has not been reported in the literature in individuals affected with GSN-related conditions. ClinVar contains an entry for this variant (Variation ID: 1904613).

NM_198252.3(GSN):c.110A>C (p.Asp37Ala)

Gene: GSN (gelsolin; plus strand). Cytogenetic location: 9q33.2.
Variant type: single nucleotide variant.
Coding change: c.110A>C on transcript NM_198252.3 (MANE Select); coding-DNA position 110, A replaced by C.
Protein change: p.Asp37Ala; replaces aspartic acid 37 with alanine.
Molecular consequence: missense variant. On other transcripts: intron variant (1).
Genome position (GRCh38, 1-based): chr9:121,302,081, A>C. VCF-style: chr9-121302081-A-C. GRCh37 (hg19) VCF-style: chr9-124064359-A-C.
Other names: c.263A>C, p.Asp88Ala (NM_000177.5); c.110A>C, p.Asp37Ala (NM_001127662.2, NM_001127664.2, NM_001127665.2 and 10 more transcripts); c.218A>C, p.Asp73Ala (NM_001127663.2); c.143A>C, p.Asp48Ala (NM_001127666.2, NM_001127667.2, NM_001353063.2 and 13 more transcripts); c.161A>C, p.Asp54Ala (NM_001258029.2); c.134A>C, p.Asp45Ala (NM_001258030.2); c.182A>C, p.Asp61Ala (NM_001353076.2); c.-458-830A>C (NM_001353078.2); short protein forms D54A, D73A, D48A, D88A, D61A, D37A, D45A.
Identifiers: ClinVar variation 1904613 (VCV001904613.5), dbSNP rs144219139, ClinGen allele CA5220764.